The following is an entry in ClinVar:

NM_004369.4(COL6A3):c.2958C>T (p.Ile986=)

Gene: COL6A3 (collagen type VI alpha 3 chain; minus strand). Cytogenetic location: 2q37.3.
Variant type: single nucleotide variant.
Coding change: c.2958C>T on transcript NM_004369.4 (MANE Select); coding-DNA position 2958, C replaced by T.
Protein change: p.Ile986=; no amino-acid change (isoleucine 986 retained).
Molecular consequence: synonymous variant.
Genome position (GRCh38, 1-based): chr2:237,376,884, G>A on the plus strand (C>T on the coding strand, the complement: COL6A3 is on the minus strand). VCF-style: chr2-237376884-G-A. GRCh37 (hg19) VCF-style: chr2-238285527-G-A.
Other names: c.2958C>T (NM_004369.3); c.1737C>T, p.Ile579= (NM_057164.5); c.2340C>T, p.Ile780= (NM_057165.5, NM_057167.4); c.1137C>T, p.Ile379= (NM_057166.5).
Identifiers: ClinVar variation 1156923 (VCV001156923.10), dbSNP rs145203676, ClinGen allele CA2189284.

ClinVar aggregate classification (germline): Likely benign. Review status: criteria provided, single submitter (1 of 4 stars). 2 submissions from 2 submitters: Likely benign (1). 1 of the submissions does not count toward it. Last evaluated 2025-05-05.

Conditions:
Bethlem myopathy 1A. Also called: MYOPATHY, BENIGN CONGENITAL, WITH CONTRACTURES; Bethlem Muscular Dystrophy; Bethlem myopathy 1. Identifiers: Orphanet 610, MedGen CN029274, MONDO:0024530, OMIM 158810.
COL6A3-related disorder. Also called: COL6A3-related disorders; COL6A3-related condition.

Allele frequency attached by ClinVar (database versions not stated): gnomAD exomes 0.00002; ExAC 0.00003; ESP Exome Variant Server 0.00008; gnomAD 0.00002.
gnomAD v4.1: 17 of 1,614,064 alleles (0.0011%); highest among the groups gnomAD compares: Middle Eastern, 0.016%; no homozygotes.

Submissions (2):

Labcorp Genetics (formerly Invitae), Labcorp
Classification: Likely benign for Bethlem myopathy 1A. Last evaluated: 2025-05-05. Review status: criteria provided, single submitter. Criteria: Invitae Variant Classification Sherloc (09022015). Collection method: clinical testing. Allele origin: germline.

PreventionGenetics, part of Exact Sciences
Classification: Likely benign for COL6A3-related condition. Last evaluated: 2024-04-09. Review status: no assertion criteria provided. Collection method: clinical testing. Allele origin: germline. Not counted in ClinVar's aggregate classification.
Comment: This variant is classified as likely benign based on ACMG/AMP sequence variant interpretation guidelines (Richards et al. 2015 PMID: 25741868, with internal and published modifications).